The following is an entry in ClinVar:

NM_001379500.1(COL18A1):c.79G>T (p.Gly27Trp)

Genes: BNAT1 (breast cancer associated ESR1 regulating natural antisense transcript 1; minus strand), COL18A1 (collagen type XVIII alpha 1 chain; plus strand). Cytogenetic location: 21q22.3.
Variant type: single nucleotide variant.
Coding change: c.79G>T on transcript NM_001379500.1 (MANE Select); coding-DNA position 79, G replaced by T.
Protein change: p.Gly27Trp; replaces glycine 27 with tryptophan.
Molecular consequence: missense variant.
Genome position (GRCh38, 1-based): chr21:45,405,446, G>T. VCF-style: chr21-45405446-G-T. GRCh37 (hg19) VCF-style: chr21-46825361-G-T.
Other names: short protein forms G27W.
Identifiers: ClinVar variation 1442849 (VCV001442849.3), dbSNP rs1370627844, ClinGen allele CA410620407.

ClinVar aggregate classification (germline): Uncertain significance (1 of 4 stars; one submission).

Allele frequency attached by ClinVar (database versions not stated): gnomAD 0.00001.
gnomAD v4.1: 3 of 1,381,044 alleles (0.00022%); highest among the groups gnomAD compares: Middle Eastern, 0.027%; no homozygotes.

Submission:

Labcorp Genetics (formerly Invitae), Labcorp
Classification: Uncertain significance. Last evaluated: 2022-03-19. Review status: criteria provided, single submitter. Criteria: Invitae Variant Classification Sherloc (09022015). Collection method: clinical testing. Allele origin: germline.
Comment: This sequence change replaces glycine with tryptophan at codon 27 of the COL18A1 protein (p.Gly27Trp). There is a large physicochemical difference between glycine and tryptophan. This variant is not present in population databases (gnomAD no frequency). This variant has not been reported in the literature in individuals affected with COL18A1-related conditions. Experimental studies and prediction algorithms are not available or were not evaluated, and the functional significance of this variant is currently unknown. In summary, the available evidence is currently insufficient to determine the role of this variant in disease. Therefore, it has been classified as a Variant of Uncertain Significance.